The following is an entry in ClinVar:

ClinVar aggregate classification (germline): Likely pathogenic. Review status: criteria provided, single submitter (1 of 4 stars). 2 submissions from 2 submitters: Likely pathogenic (1). 1 of the submissions does not count toward it. Last evaluated 2025-08-07.

Conditions:
Congenital afibrinogenemia. Identifiers: Orphanet 335, Orphanet 98880, MedGen C2584774, MONDO:0008737, OMIM 202400.
FIBRINOGEN NAPLES.

Allele frequency attached by ClinVar (database versions not stated): gnomAD exomes below 0.00001; TOPMed below 0.00001.

Submissions (2):

First Genomix Gene Laboratory, Genetic Diagnostics Department
Classification: Likely pathogenic for Congenital afibrinogenemia. Last evaluated: 2025-08-07. Review status: criteria provided, single submitter. Criteria: ACMG Guidelines, 2015. Collection method: clinical testing. Allele origin: germline. Inheritance: Autosomal recessive inheritance. Affected: no. Observed: 1 variant allele.

OMIM
Classification: other for FIBRINOGEN NAPLES. Last evaluated: 2014-09-29. Review status: no assertion criteria provided. Collection method: literature only. Allele origin: germline. Not counted in ClinVar's aggregate classification.

Literature cited by the submitters: PubMed 1634610 (cited by OMIM).

NM_005141.4(FGB):c.292G>A (p.Ala98Thr)

Gene: FGB (fibrinogen beta chain; plus strand). Cytogenetic location: 4q31.3.
Variant type: single nucleotide variant.
Coding change: c.292G>A on transcript NM_005141.4; coding-DNA position 292, G replaced by A.
Protein change: p.Ala98Thr; replaces alanine 98 with threonine.
Molecular consequence: missense variant (on NM_005141.5). On other transcripts: intron variant (1).
Genome position (GRCh38, 1-based): chr4:154,565,985, G>A. VCF-style: chr4-154565985-G-A. GRCh37 (hg19) VCF-style: chr4-155487137-G-A.
Other names: A68T; FIBRINOGEN MILANO 2; c.292G>A, p.Ala98Thr (NM_001382759.1, NM_001382760.1, NM_001382761.1 and 5 more transcripts); c.165+127G>A (NM_001184741.1); short protein forms A98T.
Identifiers: ClinVar variation 16387 (VCV000016387.2), dbSNP rs121909620, ClinGen allele CA126440.